The following is an entry in ClinVar:

NM_005529.7(HSPG2):c.3119_3120dup (p.His1041fs)

Gene: HSPG2 (heparan sulfate proteoglycan 2; minus strand). Cytogenetic location: 1p36.12.
Variant type: Microsatellite.
Coding change: c.3119_3120dup on transcript NM_005529.7 (MANE Select); coding-DNA positions 3119 to 3120, 2 bases duplicated (AG; older notation c.3119_3120dupAG).
Protein change: p.His1041fs; shifts the reading frame from histidine 1041.
Molecular consequence: frameshift variant.
Genome position (GRCh38, 1-based): chr1:21,875,926-21,875,927, CT duplicated on the plus strand (AG on the coding strand, the reverse complement: HSPG2 is on the minus strand); duplicating any 2 consecutive bases within chr1:21,875,926-21,875,929 gives the same sequence; the c. name uses the placement nearest the transcript's 3' end. VCF-style (leftmost placement, unchanged base first): chr1-21875925-G-GCT. GRCh37 (hg19) VCF-style: chr1-22202418-G-GCT.
Other names: c.3122_3123dup, p.His1042fs (NM_001291860.2); short protein forms H1041fs, H1042fs.
Identifiers: ClinVar variation 1323075 (VCV001323075.8), dbSNP rs1227714952, ClinGen allele CA521901174.

ClinVar aggregate classification (germline): Pathogenic/Likely pathogenic. Review status: criteria provided, multiple submitters, no conflicts (2 of 4 stars). 3 submissions from 3 submitters: Pathogenic (2); Likely pathogenic (1). Last evaluated 2025-08-11.

Submissions (3):

Labcorp Genetics (formerly Invitae), Labcorp
Classification: Pathogenic. Last evaluated: 2025-08-11. Review status: criteria provided, single submitter. Criteria: Invitae Variant Classification Sherloc (09022015). Collection method: clinical testing. Allele origin: germline.
Comment: This sequence change creates a premature translational stop signal (p.His1041Serfs*39) in the HSPG2 gene. It is expected to result in an absent or disrupted protein product. Loss-of-function variants in HSPG2 are known to be pathogenic (PMID: 11279527, 16927315, 20542149, 23836246). This variant is present in population databases (no rsID available, gnomAD 0.004%). This variant has not been reported in the literature in individuals affected with HSPG2-related conditions. For these reasons, this variant has been classified as Pathogenic.

GeneDx
Classification: Likely pathogenic. Last evaluated: 2025-01-24. Review status: criteria provided, single submitter. Criteria: GeneDx Variant Classification Process June 2021. Collection method: clinical testing. Allele origin: germline. Affected: yes.
Comment: Has not been previously published as pathogenic or benign to our knowledge; Frameshift variant predicted to result in protein truncation or nonsense mediated decay in a gene for which loss of function is a known mechanism of disease

Revvity Omics, Revvity
Classification: Pathogenic. Last evaluated: 2020-04-29. Review status: criteria provided, single submitter. Criteria: ACMG Guidelines, 2015. Collection method: clinical testing. Allele origin: germline.

Literature cited by the submitters: PubMed 11279527 (cited by Labcorp Genetics (formerly Invitae), Labcorp); PubMed 16927315 (cited by Labcorp Genetics (formerly Invitae), Labcorp); PubMed 20542149 (cited by Labcorp Genetics (formerly Invitae), Labcorp); PubMed 23836246 (cited by Labcorp Genetics (formerly Invitae), Labcorp).